The following is an entry in ClinVar:

ClinVar aggregate classification (germline): Conflicting classifications of pathogenicity. Review status: criteria provided, conflicting classifications (1 of 4 stars). 2 submissions from 2 submitters: Uncertain significance (1); Likely benign (1). Last evaluated 2026-06-01.

Conditions:
Inborn genetic diseases. Identifiers: MedGen C0950123, MeSH D030342.

gnomAD v4.1: 13 of 1,613,996 alleles (0.00081%); highest among the groups gnomAD compares: Admixed American, 0.022%; no homozygotes.

Submissions (2):

CeGaT Center for Human Genetics Tuebingen
Classification: Likely benign. Last evaluated: 2026-06-01. Review status: criteria provided, single submitter. Criteria: CeGaT Center For Human Genetics Tuebingen Variant Classification Criteria Version 2. Collection method: clinical testing. Allele origin: germline. Affected: yes. Observed: 1 variant allele.
Comment: ZNF462: BP4

Ambry Genetics
Classification: Uncertain significance for Inborn genetic diseases. Last evaluated: 2024-11-08. Review status: criteria provided, single submitter. Criteria: Ambry Variant Classification Scheme 2023. Collection method: clinical testing. Allele origin: germline.

NM_021224.6(ZNF462):c.3012C>A (p.Phe1004Leu)

Gene: ZNF462 (zinc finger protein 462; plus strand). Cytogenetic location: 9q31.2.
Variant type: single nucleotide variant.
Coding change: c.3012C>A on transcript NM_021224.6 (MANE Select); coding-DNA position 3012, C replaced by A.
Protein change: p.Phe1004Leu; replaces phenylalanine 1004 with leucine.
Molecular consequence: missense variant.
Genome position (GRCh38, 1-based): chr9:106,926,924, C>A. VCF-style: chr9-106926924-C-A. GRCh37 (hg19) VCF-style: chr9-109689205-C-A.
Other names: c.3012C>A, p.Phe1004Leu (NM_001347997.2); short protein forms F1004L.
Identifiers: ClinVar variation 3476078 (VCV003476078.3).
Genomic context (GRCh38, chr9:106,926,924, plus strand): 5'-TCCCAAGAACATGGCGACTTCCACACCTGTGGCTCGTGGTGGTGGTTTGCCAGCTACGTT[C>A]AACAAAAACACTCCTAAGACCTTTACTCCTGAATGTGAAAATCAGAAGGACCCTTTGGTC-3'
Protein context (NP_067047.4, residues 994-1014): VARGGGLPAT[Phe1004Leu]NKNTPKTFTP